The following is an entry in ClinVar:

ClinVar aggregate classification (germline): Uncertain significance (1 of 4 stars; one submission).

gnomAD v4.1: 2 of 1,581,876 alleles (0.00013%); highest among the groups gnomAD compares: Non-Finnish European, 0.000087%; no homozygotes.

Submission:

Labcorp Genetics (formerly Invitae), Labcorp
Classification: Uncertain significance. Last evaluated: 2025-09-10. Review status: criteria provided, single submitter. Criteria: Invitae Variant Classification Sherloc (09022015). Collection method: clinical testing. Allele origin: germline.
Comment: This sequence change replaces glycine, which is neutral and non-polar, with cysteine, which is neutral and slightly polar, at codon 135 of the LZTR1 protein (p.Gly135Cys). This variant is present in population databases (rs771188787, gnomAD 0.01%). This missense change has been observed in individual(s) with Noonan syndrome (PMID: 38259611). In at least one individual the variant was observed to be de novo. ClinVar contains an entry for this variant (Variation ID: 3674851). An algorithm developed to predict the effect of missense changes on protein structure and function (PolyPhen-2) suggests that this variant is likely to be disruptive. In summary, the available evidence is currently insufficient to determine the role of this variant in disease. Therefore, it has been classified as a Variant of Uncertain Significance.

Literature cited by the submitters: PubMed 38259611.

NM_006767.4(LZTR1):c.403G>T (p.Gly135Cys)

Gene: LZTR1 (leucine zipper like post translational regulator 1; plus strand). Cytogenetic location: 22q11.21.
Variant type: single nucleotide variant.
Coding change: c.403G>T on transcript NM_006767.4 (MANE Select); coding-DNA position 403, G replaced by T.
Protein change: p.Gly135Cys; replaces glycine 135 with cysteine.
Molecular consequence: missense variant.
Genome position (GRCh38, 1-based): chr22:20,988,012, G>T. VCF-style: chr22-20988012-G-T. GRCh37 (hg19) VCF-style: chr22-21342301-G-T.
Other names: short protein forms G135C.
Identifiers: ClinVar variation 3674851 (VCV003674851.2).